The following is an entry in ClinVar:

NM_014391.3(ANKRD1):c.652-14_652-13delinsC

Gene: ANKRD1 (ankyrin repeat domain 1; minus strand). Cytogenetic location: 10q23.31.
Variant type: Indel.
Coding change: c.652-14_652-13delinsC on transcript NM_014391.3 (MANE Select); 14 bases into the intron before coding-DNA position 652 through 13 bases into the intron before coding-DNA position 652, TT replaced by C.
Molecular consequence: intron variant.
Genome position (GRCh38, 1-based): chr10:90,915,893-90,915,894, AA replaced by G on the plus strand (TT replaced by C on the coding strand, the reverse complement: ANKRD1 is on the minus strand). VCF-style: chr10-90915893-AA-G. GRCh37 (hg19) VCF-style: chr10-92675650-AA-G.
Identifiers: ClinVar variation 1306203 (VCV001306203.3), dbSNP rs2120265546, ClinGen allele CA2573053377.

ClinVar aggregate classification (germline): Uncertain significance (1 of 4 stars; one submission).

Submission:

GeneDx
Classification: Uncertain significance. Last evaluated: 2025-09-16. Review status: criteria provided, single submitter. Criteria: GeneDx Variant Classification Process June 2021. Collection method: clinical testing. Allele origin: germline. Affected: yes.
Comment: In silico analysis supports a deleterious effect on splicing; Has not been previously published as pathogenic or benign to our knowledge; Variants in candidate genes are classified as variants of uncertain significance in accordance with ACMG guidelines (PMID: 25741868)